The following is an entry in ClinVar:

ClinVar aggregate classification (germline): Uncertain significance (1 of 4 stars; one submission).

Conditions:
Immunodeficiency 23 (IMD23). Also called: IMMUNODEFICIENCY WITH HYPER IgE AND COGNITIVE IMPAIRMENT; IMMUNODEFICIENCY-VASCULITIS-MYOCLONUS SYNDROME. Identifiers: Orphanet 443811, MedGen C4014371, MONDO:0014353, OMIM 615816.

Allele frequency attached by ClinVar (database versions not stated): gnomAD 0.00001; 1000 Genomes Project 30x 0.00031; ExAC 0.00009.
gnomAD v4.1: 15 of 1,535,368 alleles (0.00098%); highest among the groups gnomAD compares: South Asian, 0.0036%; no homozygotes.

Submission:

Labcorp Genetics (formerly Invitae), Labcorp
Classification: Uncertain significance for Immunodeficiency 23. Last evaluated: 2022-05-27. Review status: criteria provided, single submitter. Criteria: Invitae Variant Classification Sherloc (09022015). Collection method: clinical testing. Allele origin: germline.
Comment: This sequence change replaces isoleucine, which is neutral and non-polar, with leucine, which is neutral and non-polar, at codon 10 of the PGM3 protein (p.Ile10Leu). This variant is present in population databases (rs762473433, gnomAD 0.009%). This variant has not been reported in the literature in individuals affected with PGM3-related conditions. Algorithms developed to predict the effect of missense changes on protein structure and function output the following: SIFT: "Deleterious"; PolyPhen-2: "Benign"; Align-GVGD: "Class C0". The leucine amino acid residue is found in multiple mammalian species, which suggests that this missense change does not adversely affect protein function. In summary, the available evidence is currently insufficient to determine the role of this variant in disease. Therefore, it has been classified as a Variant of Uncertain Significance.

NM_015599.3(PGM3):c.-2-227A>C

Gene: PGM3 (phosphoglucomutase 3; minus strand). Cytogenetic location: 6q14.1.
Variant type: single nucleotide variant.
Coding change: c.-2-227A>C on transcript NM_015599.3 (MANE Select); 227 bases into the intron before 2 bases upstream of the start codon, A replaced by C.
Molecular consequence: intron variant. On other transcripts: missense variant (2).
Genome position (GRCh38, 1-based): chr6:83,191,241, T>G on the plus strand (A>C on the coding strand, the complement: PGM3 is on the minus strand). VCF-style: chr6-83191241-T-G. GRCh37 (hg19) VCF-style: chr6-83900960-T-G.
Other names: c.28A>C, p.Ile10Leu (NM_001199917.2, NM_001367287.1); c.-40+1938A>C (NM_001199918.2); c.-2-227A>C (NM_001367286.1, NM_001199919.2); short protein forms I10L.
Identifiers: ClinVar variation 1357252 (VCV001357252.5), dbSNP rs762473433, ClinGen allele CA3906935.